The following is an entry in ClinVar:

ClinVar aggregate classification (germline): Uncertain significance (1 of 4 stars; one submission).

Conditions:
Joubert syndrome. Also called: Familial aplasia of the vermis; CEREBELLOPARENCHYMAL DISORDER IV; JOUBERT-BOLTSHAUSER SYNDROME. Identifiers: Orphanet 475, MedGen C5979921, MONDO:0018772.
Meckel-Gruber syndrome. Also called: Dysencephalia splachnocystica; DYSENCEPHALIA SPLANCHNOCYSTICA; GRUBER SYNDROME. Identifiers: Orphanet 564, MedGen C0265215, MONDO:0018921.

Allele frequency attached by ClinVar (database versions not stated): TOPMed below 0.00001.

Submission:

Labcorp Genetics (formerly Invitae), Labcorp
Classification: Uncertain significance for Joubert syndrome; Meckel-Gruber syndrome. Last evaluated: 2021-08-26. Review status: criteria provided, single submitter. Criteria: Invitae Variant Classification Sherloc (09022015). Collection method: clinical testing. Allele origin: germline.
Comment: This sequence change replaces proline with serine at codon 200 of the MKS1 protein (p.Pro200Ser). The proline residue is highly conserved and there is a moderate physicochemical difference between proline and serine. This variant is not present in population databases (ExAC no frequency). This variant has not been reported in the literature in individuals affected with MKS1-related conditions. Algorithms developed to predict the effect of missense changes on protein structure and function (SIFT, PolyPhen-2, Align-GVGD) all suggest that this variant is likely to be tolerated. In summary, the available evidence is currently insufficient to determine the role of this variant in disease. Therefore, it has been classified as a Variant of Uncertain Significance.

NM_017777.4(MKS1):c.598C>T (p.Pro200Ser)

Gene: MKS1 (MKS transition zone complex subunit 1; minus strand). Cytogenetic location: 17q22.
Variant type: single nucleotide variant.
Coding change: c.598C>T on transcript NM_017777.4 (MANE Select); coding-DNA position 598, C replaced by T.
Protein change: p.Pro200Ser; replaces proline 200 with serine.
Molecular consequence: missense variant. On other transcripts: 5 prime UTR variant (1).
Genome position (GRCh38, 1-based): chr17:58,214,305, G>A on the plus strand (C>T on the coding strand, the complement: MKS1 is on the minus strand). VCF-style: chr17-58214305-G-A. GRCh37 (hg19) VCF-style: chr17-56291666-G-A.
Other names: c.-12C>T (NM_001321268.2); c.598C>T, p.Pro200Ser (NM_001321269.2, NM_001330397.2); short protein forms P200S.
Identifiers: ClinVar variation 1005953 (VCV001005953.6), dbSNP rs1969060676, ClinGen allele CA400326919.
Genomic context (GRCh38, chr17:58,214,305, plus strand): 5'-GAAGCGCCACTCACTTTTTATAGGGCCCCAGGTCTGCCATGATGTGCATTGTCTGAAGAG[G>A]GGTGTTAATGACGTGGTTGTTCCTGACAAACTCTTCTGAGGGCTCCCAGGTGACGATGCG-3'
Protein context (NP_060247.2, residues 190-210): FVRNNHVINT[Pro200Ser]LQTMHIMADL